The following is an entry in ClinVar:

ClinVar aggregate classification (germline): Conflicting classifications of pathogenicity. Review status: criteria provided, conflicting classifications (1 of 4 stars). 8 submissions from 4 submitters: Uncertain significance (1); Benign (1); Likely benign (6). Last evaluated 2025-12-08.

Conditions:
Congenital myasthenic syndrome 16. Identifiers: Orphanet 590, MedGen C3280112, MONDO:0013620, OMIM 614198.
Paramyotonia congenita of Von Eulenburg. Also called: PARALYSIS PERIODICA PARAMYOTONICA; Paramyotonia Congenita; Eulenburg disease; Myotonia congenita intermittens; Von Eulenburg paramyotonia congenita. Identifiers: Orphanet 684, MedGen C0221055, MONDO:0008195, OMIM 168300. Disease mechanism: loss of function.
Potassium-aggravated myotonia. Also called: MYOTONIA CONGENITA, ACETAZOLAMIDE-RESPONSIVE; MYOTONIA CONGENITA, ATYPICAL; Myotonia congenita, atypical, acetazolamide-responsive; SODIUM CHANNEL MUSCLE DISEASE. Identifiers: Orphanet 612, Orphanet 99734, Orphanet 99735, Orphanet 99736, MedGen C2931826, MONDO:0018959, OMIM 608390.
Hypokalemic periodic paralysis, type 2 (HOKPP2). Identifiers: Orphanet 681, MedGen C2750061, MONDO:0013234, OMIM 613345.
Hyperkalemic periodic paralysis. Also called: Familial hyperkalemic periodic paralysis; Gamstorp disease. Identifiers: Orphanet 682, MedGen C0238357, MONDO:0008224, OMIM 170500, HP:0007215.

Allele frequency attached by ClinVar (database versions not stated): gnomAD exomes 0.00011 and 0.00010; gnomAD 0.00007 and 0.00006; ExAC 0.00011; TOPMed 0.00005.

Submissions (8):

Labcorp Genetics (formerly Invitae), Labcorp
Classification: Likely benign for Hyperkalemic periodic paralysis. Last evaluated: 2025-12-08. Review status: criteria provided, single submitter. Criteria: Invitae Variant Classification Sherloc (09022015). Collection method: clinical testing. Allele origin: germline.

Athena Diagnostics
Classification: Benign. Last evaluated: 2024-05-07. Review status: criteria provided, single submitter. Criteria: Athena Diagnostics Criteria. Collection method: clinical testing. Allele origin: unknown.

Blueprint Genetics
Classification: Likely benign. Last evaluated: 2023-04-04. Review status: criteria provided, single submitter. Criteria: ACMG Guidelines, 2015. Collection method: clinical testing. Allele origin: germline.

Illumina Laboratory Services, Illumina
Classification: Uncertain significance for Congenital myasthenic syndrome 16. Last evaluated: 2018-01-13. Review status: criteria provided, single submitter. Criteria: ICSL Variant Classification Criteria 13 December 2019. Collection method: clinical testing. Allele origin: germline.

Illumina Laboratory Services, Illumina
Classification: Likely benign for Hypokalemic periodic paralysis, type 2. Last evaluated: 2018-01-13. Review status: criteria provided, single submitter. Criteria: ICSL Variant Classification Criteria 13 December 2019. Collection method: clinical testing. Allele origin: germline.
Comment: This variant was observed in the ICSL laboratory as part of a predisposition screen in an ostensibly healthy population. It had not been previously curated by ICSL or reported in the Human Gene Mutation Database (HGMD: prior to June 1st, 2018), and was therefore a candidate for classification through an automated scoring system. Utilizing variant allele frequency, disease prevalence and penetrance estimates, and inheritance mode, an automated score was calculated to assess if this variant is too frequent to cause the disease. Based on the score and internal cut-off values, a variant classified as likely benign is not then subjected to further curation. The score for this variant resulted in a classification of likely benign for this disease.

Illumina Laboratory Services, Illumina
Classification: Likely benign for Paramyotonia congenita of Von Eulenburg. Last evaluated: 2018-01-13. Review status: criteria provided, single submitter. Criteria: ICSL Variant Classification Criteria 13 December 2019. Collection method: clinical testing. Allele origin: germline.
Comment: the same text as in the submission from Illumina Laboratory Services, Illumina above.

Illumina Laboratory Services, Illumina
Classification: Likely benign for Hyperkalemic periodic paralysis. Last evaluated: 2018-01-13. Review status: criteria provided, single submitter. Criteria: ICSL Variant Classification Criteria 13 December 2019. Collection method: clinical testing. Allele origin: germline.
Comment: the same text as in the submission from Illumina Laboratory Services, Illumina above.

Illumina Laboratory Services, Illumina
Classification: Likely benign for Potassium-aggravated myotonia. Last evaluated: 2018-01-13. Review status: criteria provided, single submitter. Criteria: ICSL Variant Classification Criteria 13 December 2019. Collection method: clinical testing. Allele origin: germline.
Comment: the same text as in the submission from Illumina Laboratory Services, Illumina above.

NM_000334.4(SCN4A):c.45G>A (p.Glu15=)

Gene: SCN4A (sodium voltage-gated channel alpha subunit 4; minus strand). Cytogenetic location: 17q23.3.
Variant type: single nucleotide variant.
Coding change: c.45G>A on transcript NM_000334.4 (MANE Select); coding-DNA position 45, G replaced by A.
Protein change: p.Glu15=; no amino-acid change (glutamic acid 15 retained).
Molecular consequence: synonymous variant.
Genome position (GRCh38, 1-based): chr17:63,972,797, C>T on the plus strand (G>A on the coding strand, the complement: SCN4A is on the minus strand). VCF-style: chr17-63972797-C-T. GRCh37 (hg19) VCF-style: chr17-62050157-C-T.
Identifiers: ClinVar variation 477424 (VCV000477424.19), dbSNP rs763166498, ClinGen allele CA8710305.